The following is an entry in ClinVar:

ClinVar aggregate classification (germline): Uncertain significance (1 of 4 stars; one submission).

Conditions:
X-linked myopathy with postural muscle atrophy. Also called: FHL1-Related Emery-Dreifuss Muscular Dystrophy, X-Linked. Identifiers: Orphanet 178461, MedGen C2678055, MONDO:0010401, OMIM 300696.

Submission:

Labcorp Genetics (formerly Invitae), Labcorp
Classification: Uncertain significance for X-linked myopathy with postural muscle atrophy. Last evaluated: 2021-03-23. Review status: criteria provided, single submitter. Criteria: Invitae Variant Classification Sherloc (09022015). Collection method: clinical testing. Allele origin: germline.
Comment: This sequence change replaces glycine with arginine at codon 172 of the FHL1 protein (p.Gly172Arg). The glycine residue is highly conserved and there is a moderate physicochemical difference between glycine and arginine. In summary, the available evidence is currently insufficient to determine the role of this variant in disease. Therefore, it has been classified as a Variant of Uncertain Significance. Algorithms developed to predict the effect of sequence changes on RNA splicing suggest that this variant may create or strengthen a splice site, but this prediction has not been confirmed by published transcriptional studies. Algorithms developed to predict the effect of missense changes on protein structure and function are either unavailable or do not agree on the potential impact of this missense change (SIFT: "Deleterious"; PolyPhen-2: "Probably Damaging"; Align-GVGD: "Class C15"). This variant has not been reported in the literature in individuals with FHL1-related conditions. This variant is not present in population databases (ExAC no frequency).

NM_001159699.2(FHL1):c.562G>A (p.Gly188Arg)

Gene: FHL1 (four and a half LIM domains 1; plus strand). Cytogenetic location: Xq26.3.
Variant type: single nucleotide variant.
Coding change: c.562G>A on transcript NM_001159699.2 (MANE Select); coding-DNA position 562, G replaced by A.
Protein change: p.Gly188Arg; replaces glycine 188 with arginine.
Molecular consequence: missense variant. On other transcripts: non-coding transcript variant (1), intron variant (2).
Genome position (GRCh38, 1-based): chrX:136,208,467, G>A. VCF-style: chrX-136208467-G-A. GRCh37 (hg19) VCF-style: chrX-135290626-G-A.
Other names: c.514G>A, p.Gly172Arg (NM_001159700.2, NM_001159702.3, NM_001159704.1 and 8 more transcripts); c.601G>A, p.Gly201Arg (NM_001159701.2); c.501+506G>A (NM_001159703.2); c.549+506G>A (NM_001330659.2); short protein forms G201R, G188R, G172R.
Identifiers: ClinVar variation 1474489 (VCV001474489.8), dbSNP rs2148378198, ClinGen allele CA414608712.